The following is an entry in ClinVar:

ClinVar aggregate classification (germline): Benign. Review status: criteria provided, multiple submitters, no conflicts (2 of 4 stars). 2 submissions from 2 submitters: Benign (2). Last evaluated 2018-06-14.

Allele frequency attached by ClinVar (database versions not stated): 1000 Genomes Project 30x 0.24766; 1000 Genomes Project 0.25080; TOPMed 0.26392; gnomAD 0.26952 and 0.27038; gnomAD exomes 0.28713.
gnomAD v4.1: 237,411 of 838,192 alleles (28%); highest among the groups gnomAD compares: Non-Finnish European, 30%; 34,040 homozygotes.

Submissions (2):

GeneDx
Classification: Benign. Last evaluated: 2018-06-14. Review status: criteria provided, single submitter. Criteria: GeneDx Variant Classification (06012015). Collection method: clinical testing. Allele origin: germline. Affected: yes.
Comment: This variant is considered likely benign or benign based on one or more of the following criteria: it is a conservative change, it occurs at a poorly conserved position in the protein, it is predicted to be benign by multiple in silico algorithms, and/or has population frequency not consistent with disease.

Breakthrough Genomics
Classification: Benign. Review status: criteria provided, single submitter. Criteria: ACMG Guidelines, 2015. Collection method: not provided. Allele origin: germline. Inheritance: Autosomal recessive inheritance. Affected: yes.

NM_006767.4(LZTR1):c.2220-105T>C

Gene: LZTR1 (leucine zipper like post translational regulator 1; plus strand). Cytogenetic location: 22q11.21.
Variant type: single nucleotide variant.
Coding change: c.2220-105T>C on transcript NM_006767.4 (MANE Select); 105 bases into the intron before coding-DNA position 2220, T replaced by C.
Molecular consequence: intron variant.
Genome position (GRCh38, 1-based): chr22:20,996,591, T>C. VCF-style: chr22-20996591-T-C. GRCh37 (hg19) VCF-style: chr22-21350880-T-C.
Identifiers: ClinVar variation 561420 (VCV000561420.2), dbSNP rs178295, ClinGen allele CA14964145.